The following is an entry in ClinVar:

ClinVar aggregate classification (germline): Likely benign. Review status: criteria provided, single submitter (1 of 4 stars). 2 submissions from 2 submitters: Likely benign (1). 1 of the submissions does not count toward it. Last evaluated 2024-03-01.

Conditions:
MAP3K6-related disorder. Also called: MAP3K6-related condition.

Allele frequency attached by ClinVar (database versions not stated): gnomAD exomes 0.00005; TOPMed 0.00009; gnomAD 0.00012; ExAC 0.00037.
gnomAD v4.1: 92 of 1,613,538 alleles (0.0057%); highest among the groups gnomAD compares: East Asian, 0.17%; no homozygotes.

Submissions (2):

CeGaT Center for Human Genetics Tuebingen
Classification: Likely benign. Last evaluated: 2024-03-01. Review status: criteria provided, single submitter. Criteria: CeGaT Center For Human Genetics Tuebingen Variant Classification Criteria Version 2. Collection method: clinical testing. Allele origin: germline. Affected: yes. Observed: 1 variant allele.
Comment: MAP3K6: BP4

PreventionGenetics, part of Exact Sciences
Classification: Likely benign for MAP3K6-related condition. Last evaluated: 2020-12-09. Review status: no assertion criteria provided. Collection method: clinical testing. Allele origin: germline. Not counted in ClinVar's aggregate classification.
Comment: This variant is classified as likely benign based on ACMG/AMP sequence variant interpretation guidelines (Richards et al. 2015 PMID: 25741868, with internal and published modifications).

NM_004672.5(MAP3K6):c.3530G>A (p.Arg1177His)

Gene: MAP3K6 (mitogen-activated protein kinase kinase kinase 6; minus strand). Cytogenetic location: 1p36.11.
Variant type: single nucleotide variant.
Coding change: c.3530G>A on transcript NM_004672.5 (MANE Select); coding-DNA position 3530, G replaced by A.
Protein change: p.Arg1177His; replaces arginine 1177 with histidine.
Molecular consequence: missense variant.
Genome position (GRCh38, 1-based): chr1:27,356,495, C>T on the plus strand (G>A on the coding strand, the complement: MAP3K6 is on the minus strand). VCF-style: chr1-27356495-C-T. GRCh37 (hg19) VCF-style: chr1-27682986-C-T.
Other names: c.3506G>A, p.Arg1169His (NM_001297609.2); short protein forms R1169H, R1177H.
Identifiers: ClinVar variation 3057500 (VCV003057500.22), dbSNP rs750378178, ClinGen allele CA713014.